The following is an entry in ClinVar:

NM_000165.5(GJA1):c.659C>T (p.Ser220Phe)

Gene: GJA1 (gap junction protein alpha 1; plus strand). Cytogenetic location: 6q22.31.
Variant type: single nucleotide variant.
Coding change: c.659C>T on transcript NM_000165.5 (MANE Select); coding-DNA position 659, C replaced by T.
Protein change: p.Ser220Phe; replaces serine 220 with phenylalanine.
Molecular consequence: missense variant.
Genome position (GRCh38, 1-based): chr6:121,447,506, C>T. VCF-style: chr6-121447506-C-T. GRCh37 (hg19) VCF-style: chr6-121768652-C-T.
Other names: short protein forms S220F.
Identifiers: ClinVar variation 4880285 (VCV004880285.1).

ClinVar aggregate classification (germline): Likely pathogenic (1 of 4 stars; one submission).

Conditions:
Oculodentodigital dysplasia (ODDD). Also called: ODD SYNDROME; Oculodentodigital syndrome. Identifiers: Orphanet 2710, MedGen C0812437, MONDO:0008111, OMIM 164200.

Submission:

UO Genetica Medica, University of Bologna
Classification: Likely pathogenic for Oculodentodigital dysplasia. Last evaluated: 2026-08-06. Review status: criteria provided, single submitter. Criteria: ACMG Guidelines, 2015. Collection method: clinical testing. Allele origin: unknown. Inheritance: Autosomal dominant inheritance. Affected: yes. Observed: 4 variant alleles, 4 heterozygotes.
Comment: This variant cosegregated with the disease phenotype in a large family (PP1). Moreover it's a non-truncating non-synonymous variant located in a mutational hot spot and/or critical and well-established functional domain (PM1), it is a missense variant in a gene with low rate of benign missense mutations and for which missense mutation is a common mechanism of a disease (PP2), it has an extremely low frequency in gnomAD population databases (PM2), a different amino acid change as a known pathogenic variant (PM5), and computational prediction tools unanimously support a deleterious effect on the gene (PP3).